The following is an entry in ClinVar:

NM_003239.5(TGFB3):c.899G>A (p.Arg300Gln)

Gene: TGFB3 (transforming growth factor beta 3; minus strand). Cytogenetic location: 14q24.3.
Variant type: single nucleotide variant.
Coding change: c.899G>A on transcript NM_003239.5 (MANE Select); coding-DNA position 899, G replaced by A.
Protein change: p.Arg300Gln; replaces arginine 300 with glutamine.
Molecular consequence: missense variant.
Genome position (GRCh38, 1-based): chr14:75,963,343, C>T on the plus strand (G>A on the coding strand, the complement: TGFB3 is on the minus strand). VCF-style: chr14-75963343-C-T. GRCh37 (hg19) VCF-style: chr14-76429686-C-T.
Other names: c.899G>A (NM_003239.4); c.899G>A, p.Arg300Gln (NM_001329938.2, NM_001329939.2); short protein forms R300Q.
Identifiers: ClinVar variation 143945 (VCV000143945.21), dbSNP rs587777617, ClinGen allele CA170541.

ClinVar aggregate classification (germline): Pathogenic/Likely pathogenic. Review status: criteria provided, multiple submitters, no conflicts (2 of 4 stars). 9 submissions from 9 submitters: Pathogenic (5); Likely pathogenic (1). 3 of the submissions do not count toward it. Last evaluated 2026-10-06.

Conditions:
TGFB3-related disorder. Also called: TGFB3-related condition.
Thoracic aortic aneurysm or dissection.
Cardiovascular phenotype. Identifiers: MedGen CN230736.
Rienhoff syndrome. Also called: LOEYS-DIETZ SYNDROME 5. Identifiers: MedGen C3810012, MONDO:0014262, OMIM 615582.

Allele frequency attached by ClinVar (database versions not stated): gnomAD exomes below 0.00001.

Submissions (9):

NHS Central & South Genomic Laboratory Hub
Classification: Likely pathogenic for Thoracic aortic aneurysm or dissection. Last evaluated: 2026-10-06. Review status: criteria provided, single submitter. Criteria: ACMG Guidelines, 2015. Collection method: clinical testing. Allele origin: germline. Affected: yes.

Molecular Diagnostic Laboratory for Inherited Cardiovascular Disease, Montreal Heart Institute
Classification: Pathogenic for Cardiovascular phenotype. Last evaluated: 2026-07-06. Review status: criteria provided, single submitter. Criteria: ACMG Guidelines, 2015. Collection method: clinical testing. Allele origin: germline. Affected: yes.
Comment: PS4_supp, PM2, PM5, PM6, PP1, PP3

Labcorp Genetics (formerly Invitae), Labcorp
Classification: Pathogenic for Rienhoff syndrome. Last evaluated: 2026-01-25. Review status: criteria provided, single submitter. Criteria: Invitae Variant Classification Sherloc (09022015). Collection method: clinical testing. Allele origin: germline.
Comment: This sequence change replaces arginine, which is basic and polar, with glutamine, which is neutral and polar, at codon 300 of the TGFB3 protein (p.Arg300Gln). This variant is not present in population databases (gnomAD no frequency). This missense change has been observed in individual(s) with Loeys-Dietz syndrome or Rienhoff syndrome (PMID: 24798638, 28425089). In at least one individual the variant was observed to be de novo. ClinVar contains an entry for this variant (Variation ID: 143945). Invitae Evidence Modeling of protein sequence and biophysical properties (such as structural, functional, and spatial information, amino acid conservation, physicochemical variation, residue mobility, and thermodynamic stability) indicates that this missense variant is not expected to disrupt TGFB3 protein function with a negative predictive value of 80%. This variant disrupts the p.Arg300 amino acid residue in TGFB3. Other variant(s) that disrupt this residue have been determined to be pathogenic (PMID: 24798638, 25835445, 26184463, 28425089). This suggests that this residue is clinically significant, and that variants that disrupt this residue are likely to be disease-causing. For these reasons, this variant has been classified as Pathogenic.

PreventionGenetics, part of Exact Sciences
Classification: Pathogenic for TGFB3-related condition. Last evaluated: 2025-11-20. Review status: criteria provided, single submitter. Criteria: ACMG Guidelines, 2015. Collection method: clinical testing. Allele origin: germline.
Comment: The TGFB3 c.899G>A variant is predicted to result in the amino acid substitution p.Arg300Gln. This variant has reported in individuals with features of Loeys-Dietz syndrome, and has been reported to be de novo and segregate with disease (Matyas et al. 2014. PubMed ID: 24798638; Marsili et al. 2020. PubMed ID: 31898322; Baldo et al. 2022. PubMed ID: 35668506; Maghsoudi et al. 2022. PubMed ID: 36529632; Kim et al. 2017. PubMed ID: 28425089). This variant has not been reported in a large population database (gnomAD), indicating this variant is rare. Alternate missense changes at the same amino acid position (p.Arg300Gly, p.Arg300Trp) have been reported in families with features of Loeys-Dietz syndrome (Kuechler et al. 2015. PubMed ID: 26184463; Bertoli-Avella et al. 2015. PubMed ID: 25835445). This variant is interpreted as pathogenic.

GeneDx
Classification: Pathogenic. Last evaluated: 2025-05-12. Review status: criteria provided, single submitter. Criteria: GeneDx Variant Classification Process June 2021. Collection method: clinical testing. Allele origin: germline. Affected: yes.
Comment: Identified in patients with Loeys-Dietz syndrome referred for genetic testing at GeneDx and in patients with suspected heritable thoracic aortic disorders or a clinical diagnosis of Loeys-Dietz syndrome in published literature (PMID: 29907982, 24798638, 28425089, 31898322, 35668506); Not observed at significant frequency in large population cohorts (gnomAD); In silico analysis supports that this missense variant has a deleterious effect on protein structure/function; This variant is associated with the following publications: (PMID: 24798638, 25835445, 31898322, 26247899, 26184463, 28425089, 29392890, 35668506, 36529632, 37010288, 29907982)

MVZ Medizinische Genetik Mainz
Classification: Pathogenic for Rienhoff syndrome. Last evaluated: 2024-04-19. Review status: criteria provided, single submitter. Criteria: UK Practice Guidelines For Variant Classification V4 01 2020. Collection method: clinical testing. Allele origin: germline. Inheritance: Autosomal dominant inheritance. Affected: yes. Observed: 1 variant allele.
Comment: ACMG Criteria: PS4, PM1, PM5, PM2_SUP, PP3, PP4

OMIM
Classification: Pathogenic for LOEYS-DIETZ SYNDROME 5. Last evaluated: 2014-08-01. Review status: no assertion criteria provided. Collection method: literature only. Allele origin: germline. Not counted in ClinVar's aggregate classification.

Genome Diagnostics Laboratory, Amsterdam University Medical Center
Classification: Pathogenic. Review status: no assertion criteria provided. Collection method: clinical testing. Allele origin: germline. Affected: yes. Study: VKGL Data-share Consensus. Not counted in ClinVar's aggregate classification.

Joint Genome Diagnostic Labs from Nijmegen and Maastricht, Radboudumc and MUMC+
Classification: Pathogenic. Review status: no assertion criteria provided. Collection method: clinical testing. Allele origin: germline. Affected: yes. Study: VKGL Data-share Consensus. Not counted in ClinVar's aggregate classification.

Literature cited by the submitters: PubMed 24798638 (cited by Labcorp Genetics (formerly Invitae), Labcorp and OMIM); PubMed 28425089 (cited by Labcorp Genetics (formerly Invitae), Labcorp); PubMed 25835445 (cited by Labcorp Genetics (formerly Invitae), Labcorp); PubMed 26184463 (cited by Labcorp Genetics (formerly Invitae), Labcorp).